The following is an entry in ClinVar:

ClinVar aggregate classification (germline): Uncertain significance (1 of 4 stars; one submission).

Allele frequency attached by ClinVar (database versions not stated): TOPMed below 0.00001.

Submission:

Labcorp Genetics (formerly Invitae), Labcorp
Classification: Uncertain significance. Last evaluated: 2024-10-26. Review status: criteria provided, single submitter. Criteria: Invitae Variant Classification Sherloc (09022015). Collection method: clinical testing. Allele origin: germline.
Comment: This sequence change replaces serine, which is neutral and polar, with threonine, which is neutral and polar, at codon 532 of the CLCC1 protein (p.Ser532Thr). This variant is not present in population databases (gnomAD no frequency). This variant has not been reported in the literature in individuals affected with CLCC1-related conditions. ClinVar contains an entry for this variant (Variation ID: 1360723). An algorithm developed to predict the effect of missense changes on protein structure and function (PolyPhen-2) suggests that this variant¬†is likely to be tolerated. In summary, the available evidence is currently insufficient to determine the role of this variant in disease. Therefore, it has been classified as a Variant of Uncertain Significance.

NM_001377458.1(CLCC1):c.1595G>C (p.Ser532Thr)

Gene: CLCC1 (chloride channel CLIC like 1; minus strand). Cytogenetic location: 1p13.3.
Variant type: single nucleotide variant.
Coding change: c.1595G>C on transcript NM_001377458.1 (MANE Select); coding-DNA position 1595, G replaced by C.
Protein change: p.Ser532Thr; replaces serine 532 with threonine.
Molecular consequence: missense variant. On other transcripts: non-coding transcript variant (1).
Genome position (GRCh38, 1-based): chr1:108,934,731, C>G on the plus strand (G>C on the coding strand, the complement: CLCC1 is on the minus strand). VCF-style: chr1-108934731-C-G. GRCh37 (hg19) VCF-style: chr1-109477353-C-G.
Other names: c.1595G>C, p.Ser532Thr (NM_001048210.3, NM_001377459.1, NM_001377460.1 and 8 more transcripts); c.1232G>C, p.Ser411Thr (NM_001278202.2); c.1040G>C, p.Ser347Thr (NM_001278203.1); c.1493G>C, p.Ser498Thr (NM_001377469.1); c.1304G>C, p.Ser435Thr (NM_001377470.1); c.1445G>C, p.Ser482Thr (NM_015127.5); short protein forms S347T, S532T, S482T, S411T, S435T, S498T.
Identifiers: ClinVar variation 1360723 (VCV001360723.7), dbSNP rs1652611121, ClinGen allele CA341455338.